The following is an entry in ClinVar:

NM_013275.6(ANKRD11):c.6169G>A (p.Ala2057Thr)

Gene: ANKRD11 (ankyrin repeat domain 11; minus strand). Cytogenetic location: 16q24.3.
Variant type: single nucleotide variant.
Coding change: c.6169G>A on transcript NM_013275.6 (MANE Select); coding-DNA position 6169, G replaced by A.
Protein change: p.Ala2057Thr; replaces alanine 2057 with threonine.
Molecular consequence: missense variant.
Genome position (GRCh38, 1-based): chr16:89,280,373, C>T on the plus strand (G>A on the coding strand, the complement: ANKRD11 is on the minus strand). VCF-style: chr16-89280373-C-T. GRCh37 (hg19) VCF-style: chr16-89346781-C-T.
Other names: c.6169G>A, p.Ala2057Thr (NM_001256182.2, NM_001256183.2); short protein forms A2057T.
Identifiers: ClinVar variation 1981762 (VCV001981762.4), dbSNP rs2034095548, ClinGen allele CA397151878.
Genomic context (GRCh38, chr16:89,280,373, plus strand): 5'-GCGGGGCTTCCGGAAGTGACTTGCAGTTGCTGAAGAAGGACTCCAGCCCGGAGGGAGGGG[C>T]GTAGGGAGCCGCCTCTGAGGTGGAGATGGCGGCGGGGACGGCGTCCACTCCGTCCTTGAC-3'
Protein context (NP_037407.4, residues 2047-2067): AISTSEAAPY[Ala2057Thr]PPSGLESFFS

ClinVar aggregate classification (germline): Uncertain significance (1 of 4 stars; one submission).

Conditions:
KBG syndrome (KBGS). Also called: ANKRD11-Related KBG Syndrome. Identifiers: Orphanet 2332, MedGen C0220687, MONDO:0007846, OMIM 148050.

gnomAD v4.1: 13 of 1,562,556 alleles (0.00083%); highest among the groups gnomAD compares: Non-Finnish European, 0.0011%; no homozygotes.

Submission:

Labcorp Genetics (formerly Invitae), Labcorp
Classification: Uncertain significance for KBG syndrome. Last evaluated: 2023-01-06. Review status: criteria provided, single submitter. Criteria: Invitae Variant Classification Sherloc (09022015). Collection method: clinical testing. Allele origin: germline.
Comment: This sequence change replaces alanine, which is neutral and non-polar, with threonine, which is neutral and polar, at codon 2057 of the ANKRD11 protein (p.Ala2057Thr). This variant is not present in population databases (gnomAD no frequency). This variant has not been reported in the literature in individuals affected with ANKRD11-related conditions. Advanced modeling of protein sequence and biophysical properties (such as structural, functional, and spatial information, amino acid conservation, physicochemical variation, residue mobility, and thermodynamic stability) performed at Invitae indicates that this missense variant is not expected to disrupt ANKRD11 protein function. In summary, the available evidence is currently insufficient to determine the role of this variant in disease. Therefore, it has been classified as a Variant of Uncertain Significance.